The following is an entry in ClinVar:

NM_001365536.1(SCN9A):c.1129del (p.Thr377fs)

Genes: SCN1A-AS1 (SCN1A and SCN9A antisense RNA 1; plus strand), SCN9A (sodium voltage-gated channel alpha subunit 9; minus strand). Cytogenetic location: 2q24.3.
Variant type: Deletion.
Coding change: c.1129del on transcript NM_001365536.1 (MANE Select); coding-DNA position 1129, one base deleted (A; older notation c.1129delA).
Protein change: p.Thr377fs; shifts the reading frame from threonine 377.
Molecular consequence: frameshift variant.
Genome position (GRCh38, 1-based): chr2:166,288,622, T deleted on the plus strand (A on the coding strand, the reverse complement: SCN9A is on the minus strand); the first of 4 consecutive T bases (chr2:166,288,622-166,288,625); deleting any one gives the same sequence. VCF-style (leftmost placement, unchanged base first): chr2-166288621-GT-G. GRCh37 (hg19) VCF-style: chr2-167145131-GT-G.
Other names: c.1129delA (NM_002977.3); c.1126delA, p.Thr377Profs (NM_002977.4); short protein forms T377fs.
Identifiers: ClinVar variation 651331 (VCV000651331.7), dbSNP rs1574873149, ClinGen allele CA915942965.
Genomic context (GRCh38, chr2:166,288,621, plus strand): 5'-ATCAAGTTTATTAGATAAAAGGAGCCCAGGAAAATCACTACGACAAAGAAGATCATGTAG[GT>G]TTTGCCAGCAGCACGCAGCGTCTAGGGAAAAATGGAAATTGTCATTTGAACAATAAAAAG-3'

ClinVar aggregate classification (germline): Pathogenic (1 of 4 stars; one submission).

Conditions:
Neuropathy, hereditary sensory and autonomic, type 2A (HSAN2A). Also called: MORVAN DISEASE; NEUROPATHY, CONGENITAL SENSORY; NEUROPATHY, HEREDITARY SENSORY RADICULAR, AUTOSOMAL RECESSIVE; NEUROPATHY, HEREDITARY SENSORY, TYPE IIA; NEUROPATHY, PROGRESSIVE SENSORY, OF CHILDREN; WNK1-Related HSAN2 (HSAN2A). Identifiers: Orphanet 970, MedGen C2752089, MONDO:0024309, OMIM 201300.
Generalized epilepsy with febrile seizures plus, type 7 (GEFSP7). Also called: GEFS+, TYPE 7. Identifiers: Orphanet 36387, MedGen C2751778, MONDO:0013470, OMIM 613863.

Submission:

Labcorp Genetics (formerly Invitae), Labcorp
Classification: Pathogenic for Neuropathy, hereditary sensory and autonomic, type 2A; Generalized epilepsy with febrile seizures plus, type 7. Last evaluated: 2025-04-08. Review status: criteria provided, single submitter. Criteria: Invitae Variant Classification Sherloc (09022015). Collection method: clinical testing. Allele origin: germline.
Comment: This sequence change creates a premature translational stop signal (p.Thr377Profs*3) in the SCN9A gene. It is expected to result in an absent or disrupted protein product. Loss-of-function variants in SCN9A are known to be pathogenic (PMID: 17470132, 19304393). This variant is not present in population databases (gnomAD no frequency). This variant has not been reported in the literature in individuals affected with SCN9A-related conditions. ClinVar contains an entry for this variant (Variation ID: 651331). For these reasons, this variant has been classified as Pathogenic.

Literature cited by the submitters: PubMed 17470132; PubMed 19304393.